The following is an entry in ClinVar:

NM_003002.4(SDHD):c.159G>A (p.Pro53=)

Gene: SDHD (succinate dehydrogenase complex subunit D; plus strand). Cytogenetic location: 11q23.1.
Variant type: single nucleotide variant.
Coding change: c.159G>A on transcript NM_003002.4 (MANE Select); coding-DNA position 159, G replaced by A.
Protein change: p.Pro53=; no amino-acid change (proline 53 retained).
Molecular consequence: synonymous variant. On other transcripts: non-coding transcript variant (1), intron variant (1).
Genome position (GRCh38, 1-based): chr11:112,087,963, G>A. VCF-style: chr11-112087963-G-A. GRCh37 (hg19) VCF-style: chr11-111958687-G-A.
Other names: c.159G>A, p.Pro53= (NM_001276503.2, NM_001276506.2); c.53-904G>A (NM_001276504.2); c.159G>A (NM_003002.2).
Identifiers: ClinVar variation 533795 (VCV000533795.11), dbSNP rs201368675, ClinGen allele CA070703.
Genomic context (GRCh38, chr11:112,087,963, plus strand): 5'-ATTTCTTCAGGACCGACCTATCCCAGAATGGTGTGGAGTGCAGCACATACACTTGTCACC[G>A]AGCCACCATTGTATGTTCTCTCCATCGCTGCTGCTTTCTGGGCTCTAGCCATCTTTACCT-3'
Protein context (NP_002993.1, residues 43-63): WCGVQHIHLS[Pro53=]SHHSGSKAAS

ClinVar aggregate classification (germline): Benign/Likely benign. Review status: criteria provided, multiple submitters, no conflicts (2 of 4 stars). 4 submissions from 4 submitters: Benign (1); Likely benign (3). Last evaluated 2025-03-17.

Conditions:
Carney-Stratakis syndrome. Also called: PARAGANGLIOMA AND GASTROINTESTINAL STROMAL TUMOR. Identifiers: Orphanet 97286, MedGen C1847319, MONDO:0011740, OMIM 606864.
Paragangliomas with sensorineural hearing loss. Identifiers: MedGen C1868633.
Cowden syndrome 3 (CWS3). Identifiers: Orphanet 201, MedGen CN166604, MONDO:0014045.
Pheochromocytoma. Also called: MAX-Related Hereditary Paraganglioma-Pheochromocytoma Syndrome. Identifiers: Orphanet 29072, MedGen C0031511, MONDO:0008233, OMIM 171300, HP:0002666.
Hereditary pheochromocytoma and paraganglioma. Also called: Hereditary Paraganglioma-Pheochromocytoma Syndromes; Hereditary paragangliomas and pheochromocytomas; Hereditary pheochromocytoma-paraganglioma. Identifiers: Orphanet 29072, MedGen C4274332, MONDO:0017366.
Pheochromocytoma/paraganglioma syndrome 1. Also called: PARAGANGLIOMATA; Paragangliomas 1; Glomus tumors familial 1; PARAGANGLIOMAS, FAMILIAL NONCHROMAFFIN, 1; PGL 1; Paragangliomas familial 1. Identifiers: Orphanet 29072, MedGen C3494181, MONDO:0008192, OMIM 168000.
Hereditary cancer-predisposing syndrome. Also called: Neoplastic Syndromes, Hereditary; Hereditary Cancer Syndrome; Tumor predisposition; Hereditary neoplastic syndrome. Identifiers: Orphanet 140162, MedGen C0027672, MeSH D009386, MONDO:0015356.

Allele frequency attached by ClinVar (database versions not stated): gnomAD exomes below 0.00001 and 0.00001; ExAC 0.00001.
gnomAD v4.1: 5 of 1,604,580 alleles (0.00031%); highest among the groups gnomAD compares: East Asian, 0.0022%; no homozygotes.

Submissions (4):

Myriad Genetics, Inc.
Classification: Benign for Pheochromocytoma/paraganglioma syndrome 1. Last evaluated: 2025-03-17. Review status: criteria provided, single submitter. Criteria: Myriad Autosomal Dominant, Autosomal Recessive and X-Linked Classification Criteria (2023). Collection method: clinical testing. Allele origin: unknown.
Comment: This variant is considered benign. This variant is a silent/synonymous amino acid change and it is not expected to impact splicing.

Ambry Genetics
Classification: Likely benign for Hereditary cancer-predisposing syndrome. Last evaluated: 2024-08-05. Review status: criteria provided, single submitter. Criteria: Ambry Variant Classification Scheme 2023. Collection method: clinical testing. Allele origin: germline.

All of Us Research Program, National Institutes of Health
Classification: Likely benign for Hereditary pheochromocytoma and paraganglioma. Last evaluated: 2023-07-10. Review status: criteria provided, single submitter. Criteria: ACMG Guidelines, 2015. Collection method: clinical testing. Allele origin: germline. Inheritance: Autosomal dominant inheritance. Observed: 1 variant allele, 1 heterozygote.
Comment: This study involves interpretation of variants in research participants for the purpose of population health screening. Participant phenotype was not available at the time of variant classification. Additional details can be found in publication PMID: 35346344, PMCID: PMC8962531

Labcorp Genetics (formerly Invitae), Labcorp
Classification: Likely benign for Carney-Stratakis syndrome; Paragangliomas with sensorineural hearing loss; Pheochromocytoma; Cowden syndrome 3. Last evaluated: 2022-11-19. Review status: criteria provided, single submitter. Criteria: Invitae Variant Classification Sherloc (09022015). Collection method: clinical testing. Allele origin: germline.